The following is an entry in ClinVar:

NM_031844.3(HNRNPU):c.226C>T (p.Gln76Ter)

Gene: HNRNPU (heterogeneous nuclear ribonucleoprotein U; minus strand). Cytogenetic location: 1q44.
Variant type: single nucleotide variant.
Coding change: c.226C>T on transcript NM_031844.3 (MANE Select); coding-DNA position 226, C replaced by T.
Protein change: p.Gln76Ter; replaces glutamine 76 with a stop codon.
Molecular consequence: nonsense.
Genome position (GRCh38, 1-based): chr1:244,864,082, G>A on the plus strand (C>T on the coding strand, the complement: HNRNPU is on the minus strand). VCF-style: chr1-244864082-G-A. GRCh37 (hg19) VCF-style: chr1-245027384-G-A.
Other names: c.226C>T, p.Gln76Ter (NM_004501.3); short protein forms Q76*.
Identifiers: ClinVar variation 2003133 (VCV002003133.4), dbSNP rs1221183673, ClinGen allele CA345497602.

ClinVar aggregate classification (germline): Pathogenic (1 of 4 stars; one submission).

Conditions:
Developmental and epileptic encephalopathy, 54. Also called: HNRNPU-Related Neurodevelopmental Disorder; Epileptic encephalopathy, early infantile, 54. Identifiers: MedGen C4479319, MONDO:0033363, OMIM 617391.

Submission:

Labcorp Genetics (formerly Invitae), Labcorp
Classification: Pathogenic for Developmental and epileptic encephalopathy, 54. Last evaluated: 2022-06-08. Review status: criteria provided, single submitter. Criteria: Invitae Variant Classification Sherloc (09022015). Collection method: clinical testing. Allele origin: germline.
Comment: For these reasons, this variant has been classified as Pathogenic. This variant has not been reported in the literature in individuals affected with HNRNPU-related conditions. This variant is not present in population databases (gnomAD no frequency). This sequence change creates a premature translational stop signal (p.Gln76*) in the HNRNPU gene. It is expected to result in an absent or disrupted protein product. Loss-of-function variants in HNRNPU are known to be pathogenic (PMID: 22678713, 28283832).

Literature cited by the submitters: PubMed 22678713; PubMed 28283832.